The following is an entry in ClinVar:

NM_004415.4(DSP):c.5953C>T (p.Leu1985=)

Gene: DSP (desmoplakin; plus strand). Cytogenetic location: 6p24.3.
Variant type: single nucleotide variant.
Coding change: c.5953C>T on transcript NM_004415.4 (MANE Select); coding-DNA position 5953, C replaced by T.
Protein change: p.Leu1985=; no amino-acid change (leucine 1985 retained).
Molecular consequence: synonymous variant.
Genome position (GRCh38, 1-based): chr6:7,583,215, C>T. VCF-style: chr6-7583215-C-T. GRCh37 (hg19) VCF-style: chr6-7583448-C-T.
Other names: c.4156C>T, p.Leu1386= (NM_001008844.3); c.4624C>T, p.Leu1542= (NM_001319034.2).
Identifiers: ClinVar variation 3070221 (VCV003070221.1), dbSNP rs1759507764, ClinGen allele CA448715560.

ClinVar aggregate classification (germline): Likely benign (1 of 4 stars; one submission).

Conditions:
Arrhythmogenic cardiomyopathy with wooly hair and keratoderma. Also called: Carvajal syndrome; PALMOPLANTAR KERATODERMA WITH LEFT VENTRICULAR CARDIOMYOPATHY AND WOOLLY HAIR; Dilated cardiomyopathy with woolly hair and keratoderma; Arrhythmogenic cardiomyopathy with woolly hair and keratoderma. Identifiers: Orphanet 65282, MedGen C1854063, MONDO:0011581, OMIM 605676.

Allele frequency attached by ClinVar (database versions not stated): TOPMed below 0.00001.

Submission:

All of Us Research Program, National Institutes of Health
Classification: Likely benign for Arrhythmogenic cardiomyopathy with wooly hair and keratoderma. Last evaluated: 2023-04-03. Review status: criteria provided, single submitter. Criteria: ACMG Guidelines, 2015. Collection method: clinical testing. Allele origin: germline. Inheritance: Autosomal dominant inheritance. Observed: 1 variant allele, 1 heterozygote.
Comment: This study involves interpretation of variants in research participants for the purpose of population health screening. Participant phenotype was not available at the time of variant classification. Additional details can be found in publication PMID: 35346344, PMCID: PMC8962531